The following is an entry in ClinVar:

ClinVar aggregate classification (germline): Uncertain significance. Review status: criteria provided, multiple submitters, no conflicts (2 of 4 stars). 3 submissions from 3 submitters: Uncertain significance (3). Last evaluated 2025-12-29.

Conditions:
Hereditary cancer-predisposing syndrome. Also called: Hereditary Cancer Syndrome; Hereditary neoplastic syndrome; Neoplastic Syndromes, Hereditary; Tumor predisposition. Identifiers: Orphanet 140162, MedGen C0027672, MeSH D009386, MONDO:0015356.

Allele frequency attached by ClinVar (database versions not stated): TOPMed 0.00001.

Submissions (3):

Labcorp Genetics (formerly Invitae), Labcorp
Classification: Uncertain significance. Last evaluated: 2025-12-29. Review status: criteria provided, single submitter. Criteria: Invitae Variant Classification Sherloc (09022015). Collection method: clinical testing. Allele origin: germline.
Comment: This sequence change replaces alanine, which is neutral and non-polar, with valine, which is neutral and non-polar, at codon 314 of the MSH3 protein (p.Ala314Val). This variant is not present in population databases (gnomAD no frequency). This variant has not been reported in the literature in individuals affected with MSH3-related conditions. ClinVar contains an entry for this variant (Variation ID: 1766898). An algorithm developed to predict the effect of missense changes on protein structure and function (PolyPhen-2) suggests that this variant is likely to be disruptive. In summary, the available evidence is currently insufficient to determine the role of this variant in disease. Therefore, it has been classified as a Variant of Uncertain Significance.

Quest Diagnostics Nichols Institute San Juan Capistrano
Classification: Uncertain significance. Last evaluated: 2023-02-21. Review status: criteria provided, single submitter. Criteria: Quest Diagnostics criteria. Collection method: clinical testing. Allele origin: unknown.
Comment: The variant has not been reported in the published literature. It also has not been reported in large, multi-ethnic general populations. Analysis of this variant using bioinformatics tools for the prediction of the effect of amino acid changes on protein structure and function yielded predictions that this variant is damaging. Based on the available information, we are unable to determine the clinical significance of this variant.

Ambry Genetics
Classification: Uncertain significance for Hereditary cancer-predisposing syndrome. Last evaluated: 2020-12-08. Review status: criteria provided, single submitter. Criteria: Ambry Variant Classification Scheme 2023. Collection method: clinical testing. Allele origin: germline.
Comment: The p.A314V variant (also known as c.941C>T), located in coding exon 6 of the MSH3 gene, results from a C to T substitution at nucleotide position 941. The alanine at codon 314 is replaced by valine, an amino acid with similar properties. This amino acid position is highly conserved in available vertebrate species. In addition, the in silico prediction for this alteration is inconclusive. Since supporting evidence is limited at this time, the clinical significance of this alteration remains unclear.

NM_002439.5(MSH3):c.941C>T (p.Ala314Val)

Genes: MSH3 (mutS homolog 3; plus strand), LOC126807437 (MED14-independent group 3 enhancer GRCh37_chr5:79968379-79969578; plus strand). Cytogenetic location: 5q14.1.
Variant type: single nucleotide variant.
Coding change: c.941C>T on transcript NM_002439.5 (MANE Select); coding-DNA position 941, C replaced by T.
Protein change: p.Ala314Val; replaces alanine 314 with valine.
Molecular consequence: missense variant.
Genome position (GRCh38, 1-based): chr5:80,672,772, C>T. VCF-style: chr5-80672772-C-T. GRCh37 (hg19) VCF-style: chr5-79968591-C-T.
Other names: c.941C>T (NM_002439.4); short protein forms A314V.
Identifiers: ClinVar variation 1766898 (VCV001766898.8), dbSNP rs1749752091, ClinGen allele CA360267383.
Genomic context (GRCh38, chr5:80,672,772, plus strand): 5'-GATAGCAATATTTCTTATTTTTGTTGAAGGTGGGAGTTGTGAAGCAAACTGAAACTGCAG[C>T]ATTAAAGGCCATTGGAGACAACAGAAGTTCACTCTTTTCCCGGAAATTGACTGCCCTTTA-3'
Protein context (NP_002430.3, residues 304-324): VGVVKQTETA[Ala314Val]LKAIGDNRSS